The following is an entry in ClinVar:

NM_000170.3(GLDC):c.109A>C (p.Ser37Arg)

Gene: GLDC (glycine decarboxylase; minus strand). Cytogenetic location: 9p24.1.
Variant type: single nucleotide variant.
Coding change: c.109A>C on transcript NM_000170.3 (MANE Select); coding-DNA position 109, A replaced by C.
Protein change: p.Ser37Arg; replaces serine 37 with arginine.
Molecular consequence: missense variant.
Genome position (GRCh38, 1-based): chr9:6,645,391, T>G on the plus strand (A>C on the coding strand, the complement: GLDC is on the minus strand). VCF-style: chr9-6645391-T-G. GRCh37 (hg19) VCF-style: chr9-6645391-T-G.
Other names: short protein forms S37R.
Identifiers: ClinVar variation 1366148 (VCV001366148.5), dbSNP rs1819723770, ClinGen allele CA372887087.

ClinVar aggregate classification (germline): Uncertain significance (1 of 4 stars; one submission).

Conditions:
Glycine encephalopathy. Also called: Nonketotic hyperglycinemia; Non-ketotic hyperglycinemia. Identifiers: Orphanet 407, MedGen C0751748, MONDO:0011612, HP:0008288.

Submission:

Labcorp Genetics (formerly Invitae), Labcorp
Classification: Uncertain significance for Glycine encephalopathy. Last evaluated: 2022-03-02. Review status: criteria provided, single submitter. Criteria: Invitae Variant Classification Sherloc (09022015). Collection method: clinical testing. Allele origin: germline.
Comment: This sequence change replaces serine, which is neutral and polar, with arginine, which is basic and polar, at codon 37 of the GLDC protein (p.Ser37Arg). This variant is not present in population databases (gnomAD no frequency). This variant has not been reported in the literature in individuals affected with GLDC-related conditions. Advanced modeling of protein sequence and biophysical properties (such as structural, functional, and spatial information, amino acid conservation, physicochemical variation, residue mobility, and thermodynamic stability) performed at Invitae indicates that this missense variant is not expected to disrupt GLDC protein function. In summary, the available evidence is currently insufficient to determine the role of this variant in disease. Therefore, it has been classified as a Variant of Uncertain Significance.